The following is an entry in ClinVar:

ClinVar aggregate classification (germline): Uncertain significance (1 of 4 stars; one submission).

Conditions:
Early-infantile DEE. Also called: Ohtahara syndrome; Early infantile epileptic encephalopathy with suppression bursts; Early infantile epileptic encephalopathy. Identifiers: Orphanet 1934, MedGen C0393706, MONDO:0800491.

Submission:

Labcorp Genetics (formerly Invitae), Labcorp
Classification: Uncertain significance for Early-infantile DEE. Last evaluated: 2025-12-13. Review status: criteria provided, single submitter. Criteria: Invitae Variant Classification Sherloc (09022015). Collection method: clinical testing. Allele origin: germline.
Comment: This sequence change replaces isoleucine, which is neutral and non-polar, with phenylalanine, which is neutral and non-polar, at codon 275 of the HCN1 protein (p.Ile275Phe). This variant is not present in population databases (gnomAD no frequency). This variant has not been reported in the literature in individuals affected with HCN1-related conditions. Invitae Evidence Modeling of protein sequence and biophysical properties (such as structural, functional, and spatial information, amino acid conservation, physicochemical variation, residue mobility, and thermodynamic stability) has been performed for this missense variant. However, the output from this modeling did not meet the statistical confidence thresholds required to predict the impact of this variant on HCN1 protein function. In summary, the available evidence is currently insufficient to determine the role of this variant in disease. Therefore, it has been classified as a Variant of Uncertain Significance.

NM_021072.4(HCN1):c.823A>T (p.Ile275Phe)

Gene: HCN1 (hyperpolarization activated cyclic nucleotide gated potassium channel 1; minus strand). Cytogenetic location: 5p12.
Variant type: single nucleotide variant.
Coding change: c.823A>T on transcript NM_021072.4 (MANE Select); coding-DNA position 823, A replaced by T.
Protein change: p.Ile275Phe; replaces isoleucine 275 with phenylalanine.
Molecular consequence: missense variant.
Genome position (GRCh38, 1-based): chr5:45,645,211, T>A on the plus strand (A>T on the coding strand, the complement: HCN1 is on the minus strand). VCF-style: chr5-45645211-T-A. GRCh37 (hg19) VCF-style: chr5-45645313-T-A.
Other names: short protein forms I275F.
Identifiers: ClinVar variation 4747454 (VCV004747454.1).